The following is an entry in ClinVar:

NM_031483.7(ITCH):c.194G>A (p.Trp65Ter)

Gene: ITCH (itchy E3 ubiquitin protein ligase; plus strand). Cytogenetic location: 20q11.22.
Variant type: single nucleotide variant.
Coding change: c.194G>A on transcript NM_031483.7 (MANE Select); coding-DNA position 194, G replaced by A.
Protein change: p.Trp65Ter; replaces tryptophan 65 with a stop codon.
Molecular consequence: nonsense. On other transcripts: intron variant (1).
Genome position (GRCh38, 1-based): chr20:34,408,774, G>A. VCF-style: chr20-34408774-G-A. GRCh37 (hg19) VCF-style: chr20-32996580-G-A.
Other names: c.194G>A, p.Trp65Ter (NM_001257137.3, NM_001324197.2, NM_001324198.2); c.-118-3741G>A (NM_001257138.3); short protein forms W65*.
Identifiers: ClinVar variation 2840554 (VCV002840554.3), dbSNP rs2515520453, ClinGen allele CA408661436.
Genomic context (GRCh38, chr20:34,408,774, plus strand): 5'-TCACAGTAGATGGACAGTCAAAGAAGACAGAAAAATGCAACAACACAAACAGTCCCAAGT[G>A]GAAGCAACCCCTTACAGTGTAAGCTTGGAAGTATTTTTCTGTAGTATGTTTTGTTTAGTA-3'

ClinVar aggregate classification (germline): Pathogenic (1 of 4 stars; one submission).

Conditions:
Syndromic multisystem autoimmune disease due to ITCH deficiency. Also called: AUTOIMMUNE DISEASE, MULTISYSTEM, WITH FACIAL DYSMORPHISM. Identifiers: Orphanet 228426, MedGen C3150649, MONDO:0013245, OMIM 613385.

Submission:

Labcorp Genetics (formerly Invitae), Labcorp
Classification: Pathogenic for Syndromic multisystem autoimmune disease due to ITCH deficiency. Last evaluated: 2023-02-24. Review status: criteria provided, single submitter. Criteria: Invitae Variant Classification Sherloc (09022015). Collection method: clinical testing. Allele origin: germline.
Comment: For these reasons, this variant has been classified as Pathogenic. This variant has not been reported in the literature in individuals affected with ITCH-related conditions. This variant is not present in population databases (gnomAD no frequency). This sequence change creates a premature translational stop signal (p.Trp65*) in the ITCH gene. It is expected to result in an absent or disrupted protein product. Loss-of-function variants in ITCH are known to be pathogenic (PMID: 20170897).

Literature cited by the submitters: PubMed 20170897.